The following is an entry in ClinVar:

NM_016579.4(CD320):c.760C>T (p.Arg254Ter)

Gene: CD320 (CD320 molecule; minus strand). Cytogenetic location: 19p13.2.
Variant type: single nucleotide variant.
Coding change: c.760C>T on transcript NM_016579.4 (MANE Select); coding-DNA position 760, C replaced by T.
Protein change: p.Arg254Ter; replaces arginine 254 with a stop codon.
Molecular consequence: nonsense.
Genome position (GRCh38, 1-based): chr19:8,302,552, G>A on the plus strand (C>T on the coding strand, the complement: CD320 is on the minus strand). VCF-style: chr19-8302552-G-A. GRCh37 (hg19) VCF-style: chr19-8367436-G-A.
Other names: c.634C>T, p.Arg212Ter (NM_001165895.2); short protein forms R212*, R254*.
Identifiers: ClinVar variation 1063339 (VCV001063339.7), dbSNP rs750760449, ClinGen allele CA9154617.

ClinVar aggregate classification (germline): Uncertain significance (1 of 4 stars; one submission).

Conditions:
Methylmalonic acidemia due to transcobalamin receptor defect (MATR). Also called: METHYLMALONIC ACIDURIA, TRANSIENT, DUE TO TRANSCOBALAMIN RECEPTOR DEFECT; METHYLMALONIC ACIDEMIA, TCblR TYPE. Identifiers: Orphanet 280183, MedGen C4749905, MONDO:0013341, OMIM 613646.

Allele frequency attached by ClinVar (database versions not stated): ExAC 0.00002; gnomAD exomes 0.00002; TOPMed 0.00003; gnomAD 0.00004.

Submission:

Labcorp Genetics (formerly Invitae), Labcorp
Classification: Uncertain significance for Methylmalonic acidemia due to transcobalamin receptor defect. Last evaluated: 2022-07-12. Review status: criteria provided, single submitter. Criteria: Invitae Variant Classification Sherloc (09022015). Collection method: clinical testing. Allele origin: germline.
Comment: This sequence change creates a premature translational stop signal (p.Arg254*) in the CD320 gene. While this is not anticipated to result in nonsense mediated decay, it is expected to disrupt the last 29 amino acid(s) of the CD320 protein. This variant is present in population databases (rs750760449, gnomAD 0.008%). This variant has not been reported in the literature in individuals affected with CD320-related conditions. ClinVar contains an entry for this variant (Variation ID: 1063339). In summary, the available evidence is currently insufficient to determine the role of this variant in disease. Therefore, it has been classified as a Variant of Uncertain Significance.